The following is an entry in ClinVar:

ClinVar aggregate classification (germline): Uncertain significance. Review status: criteria provided, multiple submitters, no conflicts (2 of 4 stars). 3 submissions from 3 submitters: Uncertain significance (3). Last evaluated 2025-03-01.

Conditions:
Inborn genetic diseases. Identifiers: MedGen C0950123, MeSH D030342.

Allele frequency attached by ClinVar (database versions not stated): ESP Exome Variant Server 0.00008.
gnomAD v4.1: 20 of 1,613,064 alleles (0.0012%); highest among the groups gnomAD compares: Admixed American, 0.0033%; no homozygotes.

Submissions (3):

Ambry Genetics
Classification: Uncertain significance for Inborn genetic diseases. Last evaluated: 2025-03-01. Review status: criteria provided, single submitter. Criteria: Ambry Variant Classification Scheme 2023. Collection method: clinical testing. Allele origin: germline.

Blueprint Genetics
Classification: Uncertain significance. Last evaluated: 2024-03-22. Review status: criteria provided, single submitter. Criteria: ACMG Guidelines, 2015. Collection method: clinical testing. Allele origin: germline.

Labcorp Genetics (formerly Invitae), Labcorp
Classification: Uncertain significance. Last evaluated: 2021-12-02. Review status: criteria provided, single submitter. Criteria: Invitae Variant Classification Sherloc (09022015). Collection method: clinical testing. Allele origin: germline.
Comment: This sequence change replaces glutamine, which is neutral and polar, with histidine, which is basic and polar, at codon 82 of the EIF2B4 protein (p.Gln82His). This variant is present in population databases (rs371589780, gnomAD 0.003%). This variant has not been reported in the literature in individuals affected with EIF2B4-related conditions. Algorithms developed to predict the effect of missense changes on protein structure and function output the following: SIFT: "Tolerated"; PolyPhen-2: "Benign"; Align-GVGD: "Class C0". The histidine amino acid residue is found in multiple mammalian species, which suggests that this missense change does not adversely affect protein function. In summary, the available evidence is currently insufficient to determine the role of this variant in disease. Therefore, it has been classified as a Variant of Uncertain Significance.

NM_001034116.2(EIF2B4):c.249G>T (p.Gln83His)

Gene: EIF2B4 (eukaryotic translation initiation factor 2B subunit delta; minus strand). Cytogenetic location: 2p23.3.
Variant type: single nucleotide variant.
Coding change: c.249G>T on transcript NM_001034116.2 (MANE Select); coding-DNA position 249, G replaced by T.
Protein change: p.Gln83His; replaces glutamine 83 with histidine.
Molecular consequence: missense variant. On other transcripts: 5 prime UTR variant (2).
Genome position (GRCh38, 1-based): chr2:27,369,175, C>A on the plus strand (G>T on the coding strand, the complement: EIF2B4 is on the minus strand). VCF-style: chr2-27369175-C-A. GRCh37 (hg19) VCF-style: chr2-27592042-C-A.
Other names: c.246G>T (NM_015636.3); c.312G>T, p.Gln104His (NM_001318965.2); c.204G>T, p.Gln68His (NM_001318966.2); c.156G>T, p.Gln52His (NM_001318967.2); c.-267G>T (NM_001318968.2); c.-344G>T (NM_001318969.2); c.246G>T, p.Gln82His (NM_015636.4); c.309G>T, p.Gln103His (NM_172195.4); short protein forms Q68H, Q103H, Q52H, Q83H, Q104H, Q82H.
Identifiers: ClinVar variation 1353139 (VCV001353139.7), dbSNP rs371589780, ClinGen allele CA1576961.